The following is an entry in ClinVar:

ClinVar aggregate classification (germline): Pathogenic (1 of 4 stars; one submission).

Conditions:
Familial meningioma. Also called: Meningioma, familial, susceptibility to. Identifiers: Orphanet 263662, MedGen C3551915, MONDO:0011789, OMIM 607174.

Submission:

Labcorp Genetics (formerly Invitae), Labcorp
Classification: Pathogenic for Familial meningioma. Last evaluated: 2017-03-08. Review status: criteria provided, single submitter. Criteria: Invitae Variant Classification Sherloc (09022015). Collection method: clinical testing. Allele origin: germline.
Comment: For these reasons, this variant has been classified as Pathogenic. While this particular variant has not been reported in the literature, loss-of-function variants in SMARCE1 are known to be pathogenic (PMID: 23377182). This sequence change creates a premature translational stop signal at codon 253 (p.Gln253*) of the SMARCE1 gene. It is expected to result in an absent or disrupted protein product.

Literature cited by the submitters: PubMed 23377182.

NM_003079.5(SMARCE1):c.757C>T (p.Gln253Ter)

Gene: SMARCE1 (SWI/SNF related BAF chromatin remodeling complex subunit E1; minus strand). Cytogenetic location: 17q21.2.
Variant type: single nucleotide variant.
Coding change: c.757C>T on transcript NM_003079.5 (MANE Select); coding-DNA position 757, C replaced by T.
Protein change: p.Gln253Ter; replaces glutamine 253 with a stop codon.
Molecular consequence: nonsense.
Genome position (GRCh38, 1-based): chr17:40,631,651, G>A on the plus strand (C>T on the coding strand, the complement: SMARCE1 is on the minus strand). VCF-style: chr17-40631651-G-A. GRCh37 (hg19) VCF-style: chr17-38787903-G-A.
Other names: short protein forms Q253*.
Identifiers: ClinVar variation 463432 (VCV000463432.8), dbSNP rs1555605347, ClinGen allele CA399364425.
Genomic context (GRCh38, chr17:40,631,651, plus strand): 5'-CCCTTTTAAGTTCATTGTTAAATGAATCTGTGCTTTCCAGGAATTTCCTCTTCTTCTCCT[G>A]GTGTCGTTCCTCTATTTGAAGAAGTTCAGCTTCTAGTTTTCGCTGCAAGACAGGATCAGG-3'